The following is an entry in ClinVar:

NM_207037.2(TCF12):c.263A>C (p.Asp88Ala)

Gene: TCF12 (transcription factor 12; plus strand). Cytogenetic location: 15q21.3.
Variant type: single nucleotide variant.
Coding change: c.263A>C on transcript NM_207037.2 (MANE Select); coding-DNA position 263, A replaced by C.
Protein change: p.Asp88Ala; replaces aspartic acid 88 with alanine.
Molecular consequence: missense variant. On other transcripts: 5 prime UTR variant (1).
Genome position (GRCh38, 1-based): chr15:57,091,829, A>C. VCF-style: chr15-57091829-A-C. GRCh37 (hg19) VCF-style: chr15-57384027-A-C.
Other names: c.263A>C, p.Asp88Ala (NM_001322151.2, NM_001322152.2, NM_001322157.3 and 7 more transcripts); c.-390A>C (NM_001322154.2); c.89A>C, p.Asp30Ala (NM_001322156.2, NM_001322158.2); c.299A>C, p.Asp100Ala (NM_001322164.2); short protein forms D100A, D30A, D88A.
Identifiers: ClinVar variation 3370662 (VCV003370662.1).
Genomic context (GRCh38, chr15:57,091,829, plus strand): 5'-TGATCTTTTTCTCCCCCTAGGGTTTTACAGACAGCCCTCATTACAGTGATCACTTGAATG[A>C]CAGTCGATTAGGAGCCCATGAAGGCTTGTCCCCAACACCTTTCATGAACTCAAATCTGAT-3'
Protein context (NP_996920.1, residues 78-98): DSPHYSDHLN[Asp88Ala]SRLGAHEGLS

ClinVar aggregate classification (germline): Uncertain significance (1 of 4 stars; one submission).

Submission:

GeneDx
Classification: Uncertain significance. Last evaluated: 2024-03-10. Review status: criteria provided, single submitter. Criteria: GeneDx Variant Classification Process June 2021. Collection method: clinical testing. Allele origin: germline. Affected: yes.
Comment: Not observed at significant frequency in large population cohorts (gnomAD); In silico analysis supports that this missense variant has a deleterious effect on protein structure/function; Has not been previously published as pathogenic or benign to our knowledge